The following is an entry in ClinVar:

NM_000368.5(TSC1):c.1898del (p.Gly633fs)

Gene: TSC1 (TSC complex subunit 1; minus strand). Cytogenetic location: 9q34.13.
Variant type: Deletion.
Coding change: c.1898del on transcript NM_000368.5 (MANE Select); coding-DNA position 1898, one base deleted (G; older notation c.1898delG).
Protein change: p.Gly633fs; shifts the reading frame from glycine 633.
Molecular consequence: frameshift variant.
Genome position (GRCh38, 1-based): chr9:132,905,680, C deleted on the plus strand (G on the coding strand, the reverse complement: TSC1 is on the minus strand); the first of 2 consecutive C bases (chr9:132,905,680-132,905,681); deleting either gives the same sequence. VCF-style (leftmost placement, unchanged base first): chr9-132905679-TC-T. GRCh37 (hg19) VCF-style: chr9-135781066-TC-T.
Other names: c.1895del, p.Gly632fs (NM_001162426.2); c.1745del, p.Gly582fs (NM_001162427.2); c.1535del, p.Gly512fs (NM_001362177.2); short protein forms G512fs, G582fs, G632fs, G633fs.
Identifiers: ClinVar variation 1073268 (VCV001073268.7), dbSNP rs2131814973, ClinGen allele CA2499219710.

ClinVar aggregate classification (germline): Pathogenic (1 of 4 stars; one submission).

Conditions:
Tuberous sclerosis 1 (TSC1). Identifiers: Orphanet 805, MedGen C1854465, MONDO:0008612, OMIM 191100.

Submission:

Labcorp Genetics (formerly Invitae), Labcorp
Classification: Pathogenic for Tuberous sclerosis 1. Last evaluated: 2020-08-25. Review status: criteria provided, single submitter. Criteria: Invitae Variant Classification Sherloc (09022015). Collection method: clinical testing. Allele origin: germline.
Comment: For these reasons, this variant has been classified as Pathogenic. Loss-of-function variants in TSC1 are known to be pathogenic (PMID: 10227394, 17304050). This variant has not been reported in the literature in individuals with TSC1-related conditions. This variant is not present in population databases (ExAC no frequency). This sequence change creates a premature translational stop signal (p.Gly633Glufs*20) in the TSC1 gene. It is expected to result in an absent or disrupted protein product.

Literature cited by the submitters: PubMed 10227394; PubMed 17304050.